The following is an entry in ClinVar:

ClinVar aggregate classification (germline): Uncertain significance (1 of 4 stars; one submission).

Conditions:
Early-infantile DEE. Also called: Early infantile epileptic encephalopathy; Ohtahara syndrome; Early infantile epileptic encephalopathy with suppression bursts. Identifiers: Orphanet 1934, MedGen C0393706, MONDO:0800491.

Allele frequency attached by ClinVar (database versions not stated): TOPMed below 0.00001; gnomAD exomes 0.00001.

Submission:

Labcorp Genetics (formerly Invitae), Labcorp
Classification: Uncertain significance for Early-infantile DEE. Last evaluated: 2018-07-11. Review status: criteria provided, single submitter. Criteria: Invitae Variant Classification Sherloc (09022015). Collection method: clinical testing. Allele origin: germline.
Comment: Algorithms developed to predict the effect of missense changes on protein structure and function are either unavailable or do not agree on the potential impact of this missense change (SIFT: "Tolerated"; PolyPhen-2: "Probably Damaging"; Align-GVGD: "Class C0"). This variant has not been reported in the literature in individuals with SLC25A22-related disease. This variant is not present in population databases (ExAC no frequency). This sequence change replaces methionine with valine at codon 107 of the SLC25A22 protein (p.Met107Val). The methionine residue is highly conserved and there is a small physicochemical difference between methionine and valine. In summary, the available evidence is currently insufficient to determine the role of this variant in disease. Therefore, it has been classified as a Variant of Uncertain Significance. Algorithms developed to predict the effect of sequence changes on RNA splicing suggest that this variant may create or strengthen a splice site, but this prediction has not been confirmed by published transcriptional studies.

NM_001191061.2(SLC25A22):c.319A>G (p.Met107Val)

Gene: SLC25A22 (solute carrier family 25 member 22; minus strand). Cytogenetic location: 11p15.5.
Variant type: single nucleotide variant.
Coding change: c.319A>G on transcript NM_001191061.2 (MANE Select); coding-DNA position 319, A replaced by G.
Protein change: p.Met107Val; replaces methionine 107 with valine.
Molecular consequence: missense variant.
Genome position (GRCh38, 1-based): chr11:792,963, T>C on the plus strand (A>G on the coding strand, the complement: SLC25A22 is on the minus strand). VCF-style: chr11-792963-T-C. GRCh37 (hg19) VCF-style: chr11-792963-T-C.
Other names: c.319A>G, p.Met107Val (NM_001191060.2, NM_024698.6); short protein forms M107V.
Identifiers: ClinVar variation 664601 (VCV000664601.9), dbSNP rs1032909804, ClinGen allele CA216994039.
Genomic context (GRCh38, chr11:792,963, plus strand): 5'-GCATCTCCATGGGCGTGGTCACGATCACCTGGCAGGTGCCAGCCCCACAGCCCGCCAGCA[T>C]CTCTTTAAGCAGGGTCAGCTTCTGCCTGTGGTAGGGGCGGGGCCGCAGTAAGTGGGAAGA-3'
Protein context (NP_001177990.1, residues 97-117): DGQKLTLLKE[Met107Val]LAGCGAGTCQ